The following is an entry in ClinVar:

NM_001286.5(CLCN6):c.1672A>G (p.Met558Val)

Gene: CLCN6 (Cl-/H+ antiporter 6; plus strand). Cytogenetic location: 1p36.22.
Variant type: single nucleotide variant.
Coding change: c.1672A>G on transcript NM_001286.5 (MANE Select); coding-DNA position 1672, A replaced by G.
Protein change: p.Met558Val; replaces methionine 558 with valine.
Molecular consequence: missense variant. On other transcripts: non-coding transcript variant (1).
Genome position (GRCh38, 1-based): chr1:11,834,381, A>G. VCF-style: chr1-11834381-A-G. GRCh37 (hg19) VCF-style: chr1-11894438-A-G.
Other names: c.1606A>G, p.Met536Val (NM_001256959.2); short protein forms M536V, M558V.
Identifiers: ClinVar variation 2582850 (VCV002582850.25), dbSNP rs201373379, ClinGen allele CA18002932.

ClinVar aggregate classification (germline): Uncertain significance (1 of 4 stars; one submission).

Allele frequency attached by ClinVar (database versions not stated): TOPMed below 0.00001; gnomAD exomes 0.00001.
gnomAD v4.1: 9 of 1,613,792 alleles (0.00056%); highest among the groups gnomAD compares: Non-Finnish European, 0.00076%; no homozygotes.

Submission:

CeGaT Center for Human Genetics Tuebingen
Classification: Uncertain significance. Last evaluated: 2023-09-01. Review status: criteria provided, single submitter. Criteria: CeGaT Center For Human Genetics Tuebingen Variant Classification Criteria Version 2. Collection method: clinical testing. Allele origin: germline. Affected: yes. Observed: 1 variant allele.
Comment: CLCN6: PP3